The following is an entry in ClinVar:

NM_001291303.3(FAT4):c.6092T>C (p.Phe2031Ser)

Gene: FAT4 (FAT atypical cadherin 4; plus strand). Cytogenetic location: 4q28.1.
Variant type: single nucleotide variant.
Coding change: c.6092T>C on transcript NM_001291303.3 (MANE Select); coding-DNA position 6092, T replaced by C.
Protein change: p.Phe2031Ser; replaces phenylalanine 2031 with serine.
Molecular consequence: missense variant.
Genome position (GRCh38, 1-based): chr4:125,415,055, T>C. VCF-style: chr4-125415055-T-C. GRCh37 (hg19) VCF-style: chr4-126336210-T-C.
Other names: c.6092T>C, p.Phe2031Ser (NM_001291285.3, NM_024582.6); c.6092T>C (NM_024582.4); short protein forms F2031S.
Identifiers: ClinVar variation 2132056 (VCV002132056.2), dbSNP rs369897493, ClinGen allele CA3072868.
Genomic context (GRCh38, chr4:125,415,055, plus strand): 5'-AGTCCTTCTACAACTTGGTTGTTCAAGTGCATGACCTGCCACAGATTCCAGCCTCCAGAT[T>C]CACAAGCACTGCTCAAGTCTCCATTATTTTGTTGGATGTAAATGATAACCCACCGACATT-3'
Protein context (NP_001278232.1, residues 2021-2041): HDLPQIPASR[Phe2031Ser]TSTAQVSIIL

ClinVar aggregate classification (germline): Uncertain significance. Review status: criteria provided, multiple submitters, no conflicts (2 of 4 stars). 2 submissions from 2 submitters: Uncertain significance (2). Last evaluated 2025-09-25.

Conditions:
Inborn genetic diseases. Identifiers: MedGen C0950123, MeSH D030342.

Allele frequency attached by ClinVar (database versions not stated): gnomAD 0.00001; ExAC 0.00001; gnomAD exomes 0.00001; ESP Exome Variant Server 0.00008.

Submissions (2):

Ambry Genetics
Classification: Uncertain significance for Inborn genetic diseases. Last evaluated: 2025-09-25. Review status: criteria provided, single submitter. Criteria: Ambry Variant Classification Scheme 2023. Collection method: clinical testing. Allele origin: germline.

Labcorp Genetics (formerly Invitae), Labcorp
Classification: Uncertain significance. Last evaluated: 2022-07-06. Review status: criteria provided, single submitter. Criteria: Invitae Variant Classification Sherloc (09022015). Collection method: clinical testing. Allele origin: germline.
Comment: This sequence change replaces phenylalanine, which is neutral and non-polar, with serine, which is neutral and polar, at codon 2031 of the FAT4 protein (p.Phe2031Ser). This variant is present in population databases (rs369897493, gnomAD 0.002%). This variant has not been reported in the literature in individuals affected with FAT4-related conditions. Advanced modeling of protein sequence and biophysical properties (such as structural, functional, and spatial information, amino acid conservation, physicochemical variation, residue mobility, and thermodynamic stability) performed at Invitae indicates that this missense variant is not expected to disrupt FAT4 protein function. In summary, the available evidence is currently insufficient to determine the role of this variant in disease. Therefore, it has been classified as a Variant of Uncertain Significance.